The following is an entry in ClinVar:

ClinVar aggregate classification (germline): Uncertain significance (1 of 4 stars; one submission).

gnomAD v4.1: 2 of 1,562,984 alleles (0.00013%); highest among the groups gnomAD compares: Admixed American, 0.0019%; no homozygotes.

Submission:

CeGaT Center for Human Genetics Tuebingen
Classification: Uncertain significance. Last evaluated: 2024-12-01. Review status: criteria provided, single submitter. Criteria: CeGaT Center For Human Genetics Tuebingen Variant Classification Criteria Version 2. Collection method: clinical testing. Allele origin: germline. Affected: yes. Observed: 1 variant allele.
Comment: FXYD2: PP3

NM_001680.5(FXYD2):c.89G>A (p.Gly30Asp)

Genes: FXYD2 (FXYD domain containing ion transport regulator 2; minus strand), FXYD6-FXYD2 (FXYD6-FXYD2 readthrough; minus strand). Cytogenetic location: 11q23.3.
Variant type: single nucleotide variant.
Coding change: c.89G>A on transcript NM_001680.5 (MANE Select); coding-DNA position 89, G replaced by A.
Protein change: p.Gly30Asp; replaces glycine 30 with aspartic acid.
Molecular consequence: missense variant. On other transcripts: intron variant (1).
Genome position (GRCh38, 1-based): chr11:117,822,456, C>T on the plus strand (G>A on the coding strand, the complement: FXYD2 is on the minus strand). VCF-style: chr11-117822456-C-T. GRCh37 (hg19) VCF-style: chr11-117693171-C-T.
Other names: c.323G>A, p.Gly108Asp (NM_001204268.3); c.83G>A, p.Gly28Asp (NM_021603.4); c.311+223G>A (NM_001243598.4); short protein forms G108D, G28D, G30D.
Identifiers: ClinVar variation 3772033 (VCV003772033.13).